The following is an entry in ClinVar:

ClinVar aggregate classification (germline): Likely benign. Review status: criteria provided, multiple submitters, no conflicts (2 of 4 stars). 2 submissions from 2 submitters: Likely benign (2). Last evaluated 2026-04-22.

Conditions:
ATP8B1-related disorder. Also called: ATP8B1-related condition; ATP8B1-related disorders.

gnomAD v4.1: 6 of 1,613,400 alleles (0.00037%); highest among the groups gnomAD compares: South Asian, 0.0066%; no homozygotes.

Submissions (2):

PreventionGenetics, part of Exact Sciences
Classification: Likely benign for ATP8B1-related condition. Last evaluated: 2026-04-22. Review status: criteria provided, single submitter. Criteria: ACMG Guidelines, 2015. Collection method: clinical testing. Allele origin: germline.
Comment: This variant is classified as likely benign based on ACMG/AMP sequence variant interpretation guidelines (Richards et al. 2015 PMID: 25741868, with internal and published modifications).

Labcorp Genetics (formerly Invitae), Labcorp
Classification: Likely benign. Last evaluated: 2025-11-24. Review status: criteria provided, single submitter. Criteria: Invitae Variant Classification Sherloc (09022015). Collection method: clinical testing. Allele origin: germline.

NM_001374385.1(ATP8B1):c.627+10C>A

Gene: ATP8B1 (ATPase phospholipid transporting 8B1; minus strand). Cytogenetic location: 18q21.31.
Variant type: single nucleotide variant.
Coding change: c.627+10C>A on transcript NM_001374385.1 (MANE Select); 10 bases into the intron after coding-DNA position 627, C replaced by A.
Molecular consequence: intron variant.
Genome position (GRCh38, 1-based): chr18:57,697,785, G>T on the plus strand (C>A on the coding strand, the complement: ATP8B1 is on the minus strand). VCF-style: chr18-57697785-G-T. GRCh37 (hg19) VCF-style: chr18-55365017-G-T.
Other names: c.627+10C>A (NM_005603.4, NM_005603.6); c.477+10C>A (NM_001374386.1).
Identifiers: ClinVar variation 2959530 (VCV002959530.4), dbSNP rs145823405, ClinGen allele CA8974786.